The following is an entry in ClinVar:

NM_001099403.2(PRDM8):c.1166T>C (p.Val389Ala)

Gene: PRDM8 (PR/SET domain 8; plus strand). Cytogenetic location: 4q21.21.
Variant type: single nucleotide variant.
Coding change: c.1166T>C on transcript NM_001099403.2 (MANE Select); coding-DNA position 1166, T replaced by C.
Protein change: p.Val389Ala; replaces valine 389 with alanine.
Molecular consequence: missense variant.
Genome position (GRCh38, 1-based): chr4:80,202,628, T>C. VCF-style: chr4-80202628-T-C. GRCh37 (hg19) VCF-style: chr4-81123782-T-C.
Other names: c.1166T>C, p.Val389Ala (NM_020226.4); short protein forms V389A.
Identifiers: ClinVar variation 835361 (VCV000835361.9), dbSNP rs1738600010, ClinGen allele CA357398888.

ClinVar aggregate classification (germline): Uncertain significance (1 of 4 stars; one submission).

Conditions:
Early-onset Lafora body disease. Also called: Epilepsy, progressive myoclonic, 10. Identifiers: Orphanet 324290, MedGen C4225258, MONDO:0014717, OMIM 616640.

Submission:

Labcorp Genetics (formerly Invitae), Labcorp
Classification: Uncertain significance for Early-onset Lafora body disease. Last evaluated: 2024-06-03. Review status: criteria provided, single submitter. Criteria: Invitae Variant Classification Sherloc (09022015). Collection method: clinical testing. Allele origin: germline.
Comment: This sequence change replaces valine, which is neutral and non-polar, with alanine, which is neutral and non-polar, at codon 389 of the PRDM8 protein (p.Val389Ala). This variant is not present in population databases (gnomAD no frequency). This variant has not been reported in the literature in individuals affected with PRDM8-related conditions. ClinVar contains an entry for this variant (Variation ID: 835361). Advanced modeling of protein sequence and biophysical properties (such as structural, functional, and spatial information, amino acid conservation, physicochemical variation, residue mobility, and thermodynamic stability) performed at Invitae indicates that this missense variant is not expected to disrupt PRDM8 protein function with a negative predictive value of 80%. In summary, the available evidence is currently insufficient to determine the role of this variant in disease. Therefore, it has been classified as a Variant of Uncertain Significance.